The following is an entry in ClinVar:

NM_020949.3(SLC7A14):c.136G>A (p.Gly46Arg)

Genes: SLC7A14 (solute carrier family 7 member 14; minus strand), SLC7A14-AS1 (SLC7A14 antisense RNA 1; plus strand). Cytogenetic location: 3q26.2.
Variant type: single nucleotide variant.
Coding change: c.136G>A on transcript NM_020949.3 (MANE Select); coding-DNA position 136, G replaced by A.
Protein change: p.Gly46Arg; replaces glycine 46 with arginine.
Molecular consequence: missense variant.
Genome position (GRCh38, 1-based): chr3:170,526,801, C>T on the plus strand (G>A on the coding strand, the complement: SLC7A14 is on the minus strand). VCF-style: chr3-170526801-C-T. GRCh37 (hg19) VCF-style: chr3-170244590-C-T.
Other names: short protein forms G46R.
Identifiers: ClinVar variation 1052235 (VCV001052235.9), dbSNP rs868402735, ClinGen allele CA88023828.

ClinVar aggregate classification (germline): Uncertain significance (1 of 4 stars; one submission).

Allele frequency attached by ClinVar (database versions not stated): TOPMed below 0.00001.

Submission:

Labcorp Genetics (formerly Invitae), Labcorp
Classification: Uncertain significance. Last evaluated: 2020-02-26. Review status: criteria provided, single submitter. Criteria: Invitae Variant Classification Sherloc (09022015). Collection method: clinical testing. Allele origin: germline.
Comment: In summary, the available evidence is currently insufficient to determine the role of this variant in disease. Therefore, it has been classified as a Variant of Uncertain Significance. Algorithms developed to predict the effect of missense changes on protein structure and function (SIFT, PolyPhen-2, Align-GVGD) all suggest that this variant is likely to be tolerated, but these predictions have not been confirmed by published functional studies and their clinical significance is uncertain. This variant has not been reported in the literature in individuals with SLC7A14-related conditions. This variant is not present in population databases (ExAC no frequency). This sequence change replaces glycine with arginine at codon 46 of the SLC7A14 protein (p.Gly46Arg). The glycine residue is moderately conserved and there is a moderate physicochemical difference between glycine and arginine.